The following is an entry in ClinVar:

ClinVar aggregate classification (germline): Benign/Likely benign. Review status: criteria provided, multiple submitters, no conflicts (2 of 4 stars). 3 submissions from 3 submitters: Benign (1); Likely benign (2). Last evaluated 2019-01-13.

Conditions:
Disorders of Intracellular Cobalamin Metabolism. Identifiers: MedGen CN043592.

Allele frequency attached by ClinVar (database versions not stated): 1000 Genomes Project 0.00699; 1000 Genomes Project 30x 0.00750; ExAC 0.01490; gnomAD 0.01524 and 0.01601; gnomAD exomes 0.01526 and 0.02029; TOPMed 0.01546; ESP Exome Variant Server 0.01711.

Submissions (3):

GeneDx
Classification: Likely benign. Last evaluated: 2019-01-13. Review status: criteria provided, single submitter. Criteria: GeneDx Variant Classification Process June 2021. Collection method: clinical testing. Allele origin: germline. Affected: yes.

Illumina Laboratory Services, Illumina
Classification: Benign for Disorders of Intracellular Cobalamin Metabolism. Last evaluated: 2018-01-12. Review status: criteria provided, single submitter. Criteria: ICSL Variant Classification Criteria 13 December 2019. Collection method: clinical testing. Allele origin: germline.
Comment: This variant was observed in the ICSL laboratory as part of a predisposition screen in an ostensibly healthy population. It had not been previously curated by ICSL or reported in the Human Gene Mutation Database (HGMD: prior to June 1st, 2018), and was therefore a candidate for classification through an automated scoring system. Utilizing variant allele frequency, disease prevalence and penetrance estimates, and inheritance mode, an automated score was calculated to assess if this variant is too frequent to cause the disease. Based on the score and internal cut-off values, a variant classified as benign is not then subjected to further curation. The score for this variant resulted in a classification of benign for this disease.

Breakthrough Genomics
Classification: Likely benign. Review status: criteria provided, single submitter. Criteria: ACMG Guidelines, 2015. Collection method: not provided. Allele origin: germline. Inheritance: Autosomal recessive inheritance. Affected: yes.

NM_002454.3(MTRR):c.*49A>G

Gene: MTRR (5-methyltetrahydrofolate-homocysteine methyltransferase reductase; plus strand). Cytogenetic location: 5p15.31.
Variant type: single nucleotide variant.
Coding change: c.*49A>G on transcript NM_002454.3 (MANE Select); 49 bases downstream of the stop codon, A replaced by G.
Molecular consequence: 3 prime UTR variant. On other transcripts: non-coding transcript variant (14).
Genome position (GRCh38, 1-based): chr5:7,900,107, A>G. VCF-style: chr5-7900107-A-G. GRCh37 (hg19) VCF-style: chr5-7900220-A-G.
Other names: c.*49A>G (NM_001364440.2, NM_001364441.2, NM_001364442.2 and 1 more transcripts).
Identifiers: ClinVar variation 908020 (VCV000908020.7), dbSNP rs142538539, ClinGen allele CA3196165.